The following is an entry in ClinVar:

NM_001211.6(BUB1B):c.750G>C (p.Lys250Asn)

Gene: BUB1B (BUB1 mitotic checkpoint serine/threonine kinase B; plus strand). Cytogenetic location: 15q15.1.
Variant type: single nucleotide variant.
Coding change: c.750G>C on transcript NM_001211.6 (MANE Select); coding-DNA position 750, G replaced by C.
Protein change: p.Lys250Asn; replaces lysine 250 with asparagine.
Molecular consequence: missense variant.
Genome position (GRCh38, 1-based): chr15:40,183,882, G>C. VCF-style: chr15-40183882-G-C. GRCh37 (hg19) VCF-style: chr15-40476083-G-C.
Other names: short protein forms K250N.
Identifiers: ClinVar variation 465381 (VCV000465381.10), dbSNP rs1440328650, ClinGen allele CA391683525.

ClinVar aggregate classification (germline): Uncertain significance (1 of 4 stars; one submission).

Conditions:
Mosaic variegated aneuploidy syndrome 1 (MVA1). Also called: Warburton-Anyane-Yeboa syndrome. Identifiers: Orphanet 1052, MedGen C1850343, MONDO:0009759, OMIM 257300.

Submission:

Labcorp Genetics (formerly Invitae), Labcorp
Classification: Uncertain significance for Mosaic variegated aneuploidy syndrome 1. Last evaluated: 2023-08-24. Review status: criteria provided, single submitter. Criteria: Invitae Variant Classification Sherloc (09022015). Collection method: clinical testing. Allele origin: germline.
Comment: This sequence change replaces lysine, which is basic and polar, with asparagine, which is neutral and polar, at codon 250 of the BUB1B protein (p.Lys250Asn). In summary, the available evidence is currently insufficient to determine the role of this variant in disease. Therefore, it has been classified as a Variant of Uncertain Significance. An algorithm developed to predict the effect of missense changes on protein structure and function (PolyPhen-2) suggests that this variant is likely to be disruptive. ClinVar contains an entry for this variant (Variation ID: 465381). This variant has not been reported in the literature in individuals affected with BUB1B-related conditions. This variant is not present in population databases (gnomAD no frequency).